The following is an entry in ClinVar:

NM_000540.3(RYR1):c.6050A>G (p.Asp2017Gly)

Gene: RYR1 (ryanodine receptor 1; plus strand). Cytogenetic location: 19q13.2.
Variant type: single nucleotide variant.
Coding change: c.6050A>G on transcript NM_000540.3 (MANE Select); coding-DNA position 6050, A replaced by G.
Protein change: p.Asp2017Gly; replaces aspartic acid 2017 with glycine.
Molecular consequence: missense variant.
Genome position (GRCh38, 1-based): chr19:38,490,655, A>G. VCF-style: chr19-38490655-A-G. GRCh37 (hg19) VCF-style: chr19-38981295-A-G.
Other names: c.6050A>G, p.Asp2017Gly (NM_001042723.2); short protein forms D2017G.
Identifiers: ClinVar variation 972545 (VCV000972545.16), dbSNP rs1302216965, ClinGen allele CA405660778.
Genomic context (GRCh38, chr19:38,490,655, plus strand): 5'-CATTCTAATCTTTGACCTTCCCCTAGATCAATATGCTATTGCAATTCAAAGATGGTACAG[A>G]TGAGGAAGACTGTCCTCTCCCTGAAGAGATTCGACAGGATTTGCTTGACTTTCATCAAGA-3'
Protein context (NP_000531.2, residues 2007-2027): NMLLQFKDGT[Asp2017Gly]EEDCPLPEEI

ClinVar aggregate classification (germline): Uncertain significance. Review status: criteria provided, multiple submitters, no conflicts (2 of 4 stars). 6 submissions from 6 submitters: Uncertain significance (6). Last evaluated 2025-09-22.

Conditions:
RYR1-related disorder. Also called: RYR1-related condition; RYR1-related disorders. Identifiers: MedGen CN239331.
Malignant hyperthermia, susceptibility to, 1 (MHS1). Also called: Anesthesia related hyperthermia; Malignant hyperpyrexia; Fulminating hyperpyrexia; Pharmacogenic myopathy; Malignant hyperthermia suceptibility 1; RYR1-Related Malignant Hyperthermia Susceptibility. Identifiers: Orphanet 423, MedGen C2930980, MONDO:0007783, OMIM 145600.
King Denborough syndrome (KDS). Identifiers: MedGen C1840365, MONDO:0020485, OMIM 619542.
Congenital multicore myopathy with external ophthalmoplegia (CMYO1B). Also called: Minicore myopathy with external ophthalmoplegia; Congenital myopathy 1B, autosomal recessive; Minicore myopathy; MULTICORE MYOPATHY; MULTIMINICORE DISEASE WITH EXTERNAL OPHTHALMOPLEGIA. Identifiers: Orphanet 598, Orphanet 98905, MedGen C1850674, MONDO:0009712, OMIM 255320, HP:0003789.
Congenital myopathy with fiber type disproportion. Also called: Congenital fiber-type disproportion myopathy; Congenital fiber-type disproportion. Identifiers: Orphanet 2020, MedGen C0546264, MONDO:0009711. Inheritance: all.
Central core myopathy (CMYO1A). Also called: CONGENITAL MYOPATHY 1A, AUTOSOMAL DOMINANT, WITH SUSCEPTIBILITY TO MALIGNANT HYPERTHERMIA; Central core disease; Myopathy, central fibrillar. Identifiers: Orphanet 597, MedGen C5830701, MONDO:0007294, OMIM 117000.
Inborn genetic diseases. Identifiers: MedGen C0950123, MeSH D030342.

Allele frequency attached by ClinVar (database versions not stated): gnomAD exomes below 0.00001 and 0.00001; TOPMed 0.00002; gnomAD 0.00003.

Submissions (6):

Labcorp Genetics (formerly Invitae), Labcorp
Classification: Uncertain significance for RYR1-related disorder. Last evaluated: 2025-09-22. Review status: criteria provided, single submitter. Criteria: Invitae Variant Classification Sherloc (09022015). Collection method: clinical testing. Allele origin: germline.
Comment: This sequence change replaces aspartic acid, which is acidic and polar, with glycine, which is neutral and non-polar, at codon 2017 of the RYR1 protein (p.Asp2017Gly). This variant is present in population databases (no rsID available, gnomAD 0.002%). This variant has not been reported in the literature in individuals affected with RYR1-related conditions. ClinVar contains an entry for this variant (Variation ID: 972545). Invitae Evidence Modeling of protein sequence and biophysical properties (such as structural, functional, and spatial information, amino acid conservation, physicochemical variation, residue mobility, and thermodynamic stability) indicates that this missense variant is not expected to disrupt RYR1 protein function with a negative predictive value of 80%. In summary, the available evidence is currently insufficient to determine the role of this variant in disease. Therefore, it has been classified as a Variant of Uncertain Significance.

All of Us Research Program, National Institutes of Health
Classification: Uncertain significance for Malignant hyperthermia, susceptibility to, 1. Last evaluated: 2024-09-24. Review status: criteria provided, single submitter. Criteria: ACMG Guidelines, 2015. Collection method: clinical testing. Allele origin: germline. Inheritance: Autosomal dominant inheritance. Observed: 9 variant alleles, 9 heterozygotes.
Comment: This missense variant replaces aspartic acid with glycine at codon 2017 of the RYR1 protein. Computational prediction suggests that this variant may not impact protein structure and function (internally defined REVEL score threshold <= 0.5, PMID: 27666373). To our knowledge, functional studies have not been reported for this variant. This variant has not been reported in individuals affected with RYR1-related disorders in the literature. This variant has been identified in 2/282864 chromosomes in the general population by the Genome Aggregation Database (gnomAD). The available evidence is insufficient to determine the role of this variant in disease conclusively. Therefore, this variant is classified as a Variant of Uncertain Significance.

This study involves interpretation of variants in research participants for the purpose of population health screening. Participant phenotype was not available at the time of variant classification. Additional details can be found in publication PMID: 35346344, PMCID: PMC8962531

Color Diagnostics, LLC DBA Color Health
Classification: Uncertain significance for Malignant hyperthermia, susceptibility to, 1. Last evaluated: 2024-03-06. Review status: criteria provided, single submitter. Criteria: ACMG Guidelines, 2015. Collection method: clinical testing. Allele origin: germline.
Comment: This missense variant replaces aspartic acid with glycine at codon 2017 of the RYR1 protein. Computational prediction suggests that this variant may not impact protein structure and function. To our knowledge, functional studies have not been reported for this variant. This variant has not been reported in individuals affected with RYR1-related disorders in the literature. This variant has been identified in 2/282864 chromosomes in the general population by the Genome Aggregation Database (gnomAD). The available evidence is insufficient to determine the role of this variant in disease conclusively. Therefore, this variant is classified as a Variant of Uncertain Significance.

Ambry Genetics
Classification: Uncertain significance for Inborn genetic diseases. Last evaluated: 2023-09-14. Review status: criteria provided, single submitter. Criteria: Ambry Variant Classification Scheme 2023. Collection method: clinical testing. Allele origin: germline.

Revvity Omics, Revvity
Classification: Uncertain significance. Last evaluated: 2023-06-30. Review status: criteria provided, single submitter. Criteria: ACMG Guidelines, 2015. Collection method: clinical testing. Allele origin: germline.

Fulgent Genetics
Classification: Uncertain significance for Central core myopathy; Malignant hyperthermia, susceptibility to, 1; Congenital myopathy 4A, autosomal dominant; Congenital multicore myopathy with external ophthalmoplegia; King Denborough syndrome. Last evaluated: 2021-07-29. Review status: criteria provided, single submitter. Criteria: ACMG Guidelines, 2015. Collection method: clinical testing. Allele origin: unknown.